The following is an entry in ClinVar:

NM_001351169.2(NT5C2):c.573C>T (p.Phe191=)

Gene: NT5C2 (5'-nucleotidase, cytosolic II; minus strand). Cytogenetic location: 10q24.32.
Variant type: single nucleotide variant.
Coding change: c.573C>T on transcript NM_001351169.2 (MANE Select); coding-DNA position 573, C replaced by T.
Protein change: p.Phe191=; no amino-acid change (phenylalanine 191 retained).
Molecular consequence: synonymous variant. On other transcripts: 5 prime UTR variant (22).
Genome position (GRCh38, 1-based): chr10:103,099,986, G>A on the plus strand (C>T on the coding strand, the complement: NT5C2 is on the minus strand). VCF-style: chr10-103099986-G-A. GRCh37 (hg19) VCF-style: chr10-104859743-G-A.
Other names: c.573C>T, p.Phe191= (NM_001134373.3, NM_012229.5); c.597C>T, p.Phe199= (NM_001351170.2, NM_001351171.2, NM_001351172.2 and 1 more transcripts); c.486C>T, p.Phe162= (NM_001351174.1); c.480C>T, p.Phe160= (NM_001351175.2); c.-1C>T (NM_001351176.2, NM_001351177.2, NM_001351178.2 and 16 more transcripts); c.-183C>T (NM_001351194.2, NM_001351195.2, NM_001351196.2).
Identifiers: ClinVar variation 4874189 (VCV004874189.2).

ClinVar aggregate classification (germline): Likely benign (1 of 4 stars; one submission).

gnomAD v4.1: 5 of 1,612,102 alleles (0.00031%); highest among the groups gnomAD compares: Non-Finnish European, 0.00042%; no homozygotes.

Submission:

CeGaT Center for Human Genetics Tuebingen
Classification: Likely benign. Last evaluated: 2026-04-01. Review status: criteria provided, single submitter. Criteria: CeGaT Center For Human Genetics Tuebingen Variant Classification Criteria Version 2. Collection method: clinical testing. Allele origin: germline. Affected: yes. Observed: 1 variant allele.
Comment: NT5C2: BP4, BP7